The following is an entry in ClinVar:

NM_002582.4(PARN):c.712T>C (p.Tyr238His)

Gene: PARN (poly(A)-specific ribonuclease; minus strand). Cytogenetic location: 16p13.12.
Variant type: single nucleotide variant.
Coding change: c.712T>C on transcript NM_002582.4 (MANE Select); coding-DNA position 712, T replaced by C.
Protein change: p.Tyr238His; replaces tyrosine 238 with histidine.
Molecular consequence: missense variant.
Genome position (GRCh38, 1-based): chr16:14,604,217, A>G on the plus strand (T>C on the coding strand, the complement: PARN is on the minus strand). VCF-style: chr16-14604217-A-G. GRCh37 (hg19) VCF-style: chr16-14698074-A-G.
Other names: c.529T>C, p.Tyr177His (NM_001134477.3); c.574T>C, p.Tyr192His (NM_001242992.2); short protein forms Y192H, Y238H, Y177H.
Identifiers: ClinVar variation 1422783 (VCV001422783.9), dbSNP rs1330990528, ClinGen allele CA394807925.

ClinVar aggregate classification (germline): Uncertain significance. Review status: criteria provided, multiple submitters, no conflicts (2 of 4 stars). 2 submissions from 2 submitters: Uncertain significance (2). Last evaluated 2022-10-13.

Conditions:
Dyskeratosis congenita, autosomal recessive 6 (DKCB6). Identifiers: MedGen C4225356, MONDO:0014600, OMIM 616353.
Pulmonary fibrosis and/or bone marrow failure, Telomere-related, 4. Also called: PULMONARY FIBROSIS AND/OR BONE MARROW FAILURE SYNDROME, TELOMERE-RELATED, 4. Identifiers: Orphanet 2032, MedGen C4225347, MONDO:0014612, OMIM 616371.

Allele frequency attached by ClinVar (database versions not stated): gnomAD exomes below 0.00001.

Submissions (2):

Labcorp Genetics (formerly Invitae), Labcorp
Classification: Uncertain significance for Dyskeratosis congenita, autosomal recessive 6; Pulmonary fibrosis and/or bone marrow failure, Telomere-related, 4. Last evaluated: 2022-10-13. Review status: criteria provided, single submitter. Criteria: Invitae Variant Classification Sherloc (09022015). Collection method: clinical testing. Allele origin: germline.
Comment: This variant has not been reported in the literature in individuals affected with PARN-related conditions. In summary, the available evidence is currently insufficient to determine the role of this variant in disease. Therefore, it has been classified as a Variant of Uncertain Significance. Advanced modeling of protein sequence and biophysical properties (such as structural, functional, and spatial information, amino acid conservation, physicochemical variation, residue mobility, and thermodynamic stability) performed at Invitae indicates that this missense variant is not expected to disrupt PARN protein function. ClinVar contains an entry for this variant (Variation ID: 1422783). The frequency data for this variant in the population databases is considered unreliable, as metrics indicate poor data quality at this position in the gnomAD database. This sequence change replaces tyrosine, which is neutral and polar, with histidine, which is basic and polar, at codon 238 of the PARN protein (p.Tyr238His).

Neuberg Centre For Genomic Medicine, NCGM
Classification: Uncertain significance for Pulmonary fibrosis and/or bone marrow failure, Telomere-related, 4. Review status: criteria provided, single submitter. Criteria: ACMG Guidelines, 2015. Collection method: clinical testing. Allele origin: germline. Inheritance: Autosomal dominant inheritance. Affected: yes.
Comment: The missense c.712T>C (p.Tyr238His) in PARN gene variant has not been reported previously as a pathogenic variant nor as a benign variant, to our knowledge. The p.Tyr238His variant is reported with an allele frequency of 0.0005% in the gnomAD exomes database and is novel (not in any individuals) in 1000 Genomes database. This variant has been reported to the ClinVar database as Uncertain Significance. The amino acid change p.Tyr238His in PARN is predicted as conserved by GERP++ and PhyloP across 100 vertebrates. The amino acid Tyr at position 238 is changed to a His changing protein sequence and it might alter its composition and physico-chemical properties. For these reasons, this variant has been classified as a Variant of Uncertain Significance (VUS).